The following is an entry in ClinVar:

ClinVar aggregate classification (germline): Likely benign (1 of 4 stars; one submission).

Allele frequency attached by ClinVar (database versions not stated): gnomAD 0.00064; ESP Exome Variant Server 0.00069.
gnomAD v4.1: 949 of 1,612,952 alleles (0.059%); highest among the groups gnomAD compares: Non-Finnish European, 0.067%; 1 homozygote.

Submission:

CeGaT Center for Human Genetics Tuebingen
Classification: Likely benign. Last evaluated: 2023-01-01. Review status: criteria provided, single submitter. Criteria: CeGaT Center For Human Genetics Tuebingen Variant Classification Criteria Version 2. Collection method: clinical testing. Allele origin: germline. Affected: yes. Observed: 1 variant allele.
Comment: IGDCC3: BP4, BP7

NM_004884.4(IGDCC3):c.1341G>A (p.Pro447=)

Gene: IGDCC3 (immunoglobulin superfamily DCC subclass member 3; minus strand). Cytogenetic location: 15q22.31.
Variant type: single nucleotide variant.
Coding change: c.1341G>A on transcript NM_004884.4 (MANE Select); coding-DNA position 1341, G replaced by A.
Protein change: p.Pro447=; no amino-acid change (proline 447 retained).
Molecular consequence: synonymous variant.
Genome position (GRCh38, 1-based): chr15:65,331,467, C>T on the plus strand (G>A on the coding strand, the complement: IGDCC3 is on the minus strand). VCF-style: chr15-65331467-C-T. GRCh37 (hg19) VCF-style: chr15-65623805-C-T.
Identifiers: ClinVar variation 2645459 (VCV002645459.24), dbSNP rs145775314, ClinGen allele CA7616676.